The following is an entry in ClinVar:

NM_003072.5(SMARCA4):c.2714G>A (p.Arg905His)

Gene: SMARCA4 (SWI/SNF related BAF chromatin remodeling complex subunit ATPase 4; plus strand). Cytogenetic location: 19p13.2.
Variant type: single nucleotide variant.
Coding change: c.2714G>A on transcript NM_003072.5 (MANE Select); coding-DNA position 2714, G replaced by A.
Protein change: p.Arg905His; replaces arginine 905 with histidine.
Molecular consequence: missense variant. On other transcripts: non-coding transcript variant (1).
Genome position (GRCh38, 1-based): chr19:11,021,822, G>A. VCF-style: chr19-11021822-G-A. GRCh37 (hg19) VCF-style: chr19-11132498-G-A.
Other names: c.2714G>A, p.Arg905His (NM_001128844.3, NM_001128845.2, NM_001128846.2 and 6 more transcripts); short protein forms R905H.
Identifiers: ClinVar variation 4170175 (VCV004170175.2).

ClinVar aggregate classification (germline): Uncertain significance. Review status: criteria provided, multiple submitters, no conflicts (2 of 4 stars). 2 submissions from 2 submitters: Uncertain significance (2). Last evaluated 2025-08-12.

Conditions:
Hereditary cancer-predisposing syndrome. Also called: Neoplastic Syndromes, Hereditary; Tumor predisposition; Hereditary Cancer Syndrome; Hereditary neoplastic syndrome. Identifiers: Orphanet 140162, MedGen C0027672, MeSH D009386, MONDO:0015356.

Submissions (2):

Ambry Genetics
Classification: Uncertain significance for Hereditary cancer-predisposing syndrome. Last evaluated: 2025-08-12. Review status: criteria provided, single submitter. Criteria: Ambry Variant Classification Scheme 2023. Collection method: clinical testing. Allele origin: germline.
Comment: The p.R905H variant (also known as c.2714G>A), located in coding exon 18 of the SMARCA4 gene, results from a G to A substitution at nucleotide position 2714. The arginine at codon 905 is replaced by histidine, an amino acid with highly similar properties. This amino acid position is conserved. In addition, the in silico prediction for this alteration is inconclusive. Based on the available evidence, the clinical significance of this variant remains unclear.

GeneDx
Classification: Uncertain significance. Last evaluated: 2025-06-25. Review status: criteria provided, single submitter. Criteria: GeneDx Variant Classification Process June 2021. Collection method: clinical testing. Allele origin: germline. Affected: yes.
Comment: Not observed at significant frequency in large population cohorts (gnomAD); In silico analysis suggests that this missense variant does not alter protein structure/function; Has not been previously published as pathogenic or benign to our knowledge; This variant is associated with the following publications: (PMID: 36253360, 24658002)